The following is an entry in ClinVar:

ClinVar aggregate classification (germline): Uncertain significance (1 of 4 stars; one submission).

Submission:

Labcorp Genetics (formerly Invitae), Labcorp
Classification: Uncertain significance. Last evaluated: 2025-04-20. Review status: criteria provided, single submitter. Criteria: Invitae Variant Classification Sherloc (09022015). Collection method: clinical testing. Allele origin: germline.
Comment: This sequence change replaces lysine, which is basic and polar, with glutamic acid, which is acidic and polar, at codon 347 of the RORB protein (p.Lys347Glu). This variant is not present in population databases (gnomAD no frequency). This variant has not been reported in the literature in individuals affected with RORB-related conditions. This missense change has been observed in at least one individual who was not affected with RORB-related conditions (internal data). ClinVar contains an entry for this variant (Variation ID: 2955888). An algorithm developed to predict the effect of missense changes on protein structure and function (PolyPhen-2) suggests that this variant is likely to be tolerated. In summary, the available evidence is currently insufficient to determine the role of this variant in disease. Therefore, it has been classified as a Variant of Uncertain Significance.

NM_006914.4(RORB):c.1039A>G (p.Lys347Glu)

Gene: RORB (RAR related orphan receptor B; plus strand). Cytogenetic location: 9q21.13.
Variant type: single nucleotide variant.
Coding change: c.1039A>G on transcript NM_006914.4 (MANE Select); coding-DNA position 1039, A replaced by G.
Protein change: p.Lys347Glu; replaces lysine 347 with glutamic acid.
Molecular consequence: missense variant.
Genome position (GRCh38, 1-based): chr9:74,667,829, A>G. VCF-style: chr9-74667829-A-G. GRCh37 (hg19) VCF-style: chr9-77282745-A-G.
Other names: c.1072A>G, p.Lys358Glu (NM_001365023.1); short protein forms K347E, K358E.
Identifiers: ClinVar variation 2955888 (VCV002955888.3), dbSNP rs2489639472, ClinGen allele CA373771415.